The following is an entry in ClinVar:

NM_006767.4(LZTR1):c.1177G>A (p.Ala393Thr)

Gene: LZTR1 (leucine zipper like post translational regulator 1; plus strand). Cytogenetic location: 22q11.21.
Variant type: single nucleotide variant.
Coding change: c.1177G>A on transcript NM_006767.4 (MANE Select); coding-DNA position 1177, G replaced by A.
Protein change: p.Ala393Thr; replaces alanine 393 with threonine.
Molecular consequence: missense variant.
Genome position (GRCh38, 1-based): chr22:20,992,821, G>A. VCF-style: chr22-20992821-G-A. GRCh37 (hg19) VCF-style: chr22-21347110-G-A.
Other names: short protein forms A393T.
Identifiers: ClinVar variation 3986140 (VCV003986140.1).
Genomic context (GRCh38, chr22:20,992,821, plus strand): 5'-CCCACCATTCCACCCTGCCTTCTTGTCCCCCAGCTGCCCAGTGGGAGGCTCTTCCACGCG[G>A]CTGCTGTCATCTCGGACGCCATGTACATCTTCGGGGGCACGGTGGACAACAACATCCGCA-3'
Protein context (NP_006758.2, residues 383-403): ELPSGRLFHA[Ala393Thr]AVISDAMYIF

ClinVar aggregate classification (germline): Uncertain significance (1 of 4 stars; one submission).

Conditions:
Cardiovascular phenotype. Identifiers: MedGen CN230736.
Hereditary cancer-predisposing syndrome. Also called: Tumor predisposition; Hereditary neoplastic syndrome; Neoplastic Syndromes, Hereditary; Hereditary Cancer Syndrome. Identifiers: Orphanet 140162, MedGen C0027672, MeSH D009386, MONDO:0015356.

Submission:

Ambry Genetics
Classification: Uncertain significance for Cardiovascular phenotype; Hereditary cancer-predisposing syndrome. Last evaluated: 2025-04-04. Review status: criteria provided, single submitter. Criteria: Ambry Variant Classification Scheme 2023. Collection method: clinical testing. Allele origin: germline.
Comment: The p.A393T variant (also known as c.1177G>A), located in coding exon 11 of the LZTR1 gene, results from a G to A substitution at nucleotide position 1177. The alanine at codon 393 is replaced by threonine, an amino acid with similar properties. This amino acid position is conserved. In addition, this alteration is predicted to be tolerated by in silico analysis. Based on the available evidence, the clinical significance of this variant remains unclear.